The following is an entry in ClinVar:

NM_080680.3(COL11A2):c.5A>G (p.Glu2Gly)

Gene: COL11A2 (collagen type XI alpha 2 chain; minus strand). Cytogenetic location: 6p21.32.
Variant type: single nucleotide variant.
Coding change: c.5A>G on transcript NM_080680.3 (MANE Select); coding-DNA position 5, A replaced by G.
Protein change: p.Glu2Gly; replaces glutamic acid 2 with glycine.
Molecular consequence: missense variant.
Genome position (GRCh38, 1-based): chr6:33,192,236, T>C on the plus strand (A>G on the coding strand, the complement: COL11A2 is on the minus strand). VCF-style: chr6-33192236-T-C. GRCh37 (hg19) VCF-style: chr6-33160013-T-C.
Other names: c.5A>G, p.Glu2Gly (NM_001163771.2, NM_080679.3, NM_080681.3); short protein forms E2G.
Identifiers: ClinVar variation 356412 (VCV000356412.12), dbSNP rs568840295, ClinGen allele CA3751773.

ClinVar aggregate classification (germline): Conflicting classifications of pathogenicity. Review status: criteria provided, conflicting classifications (1 of 4 stars). 5 submissions from 4 submitters: Uncertain significance (3); Likely benign (1). 1 of the submissions does not count toward it. Last evaluated 2025-04-11.

Conditions:
Fibrochondrogenesis 2 (FBCG2). Identifiers: Orphanet 2021, MedGen C3281128, MONDO:0013795, OMIM 614524.
Otospondylomegaepiphyseal dysplasia, autosomal recessive (OSMEDB). Also called: CHONDRODYSTROPHY WITH SENSORINEURAL DEAFNESS; Insley-Astley syndrome. Identifiers: Orphanet 1427, MedGen CN034493, MONDO:0044206, OMIM 215150.
Autosomal dominant nonsyndromic hearing loss 13. Identifiers: Orphanet 90635, MedGen C1866095, MONDO:0011159, OMIM 601868.

Allele frequency attached by ClinVar (database versions not stated): ExAC below 0.00001; gnomAD 0.00002 and 0.00003; gnomAD exomes 0.00006; TOPMed 0.00006; 1000 Genomes Project 0.00020; 1000 Genomes Project 30x 0.00031.

Submissions (5):

Labcorp Genetics (formerly Invitae), Labcorp
Classification: Likely benign. Last evaluated: 2025-04-11. Review status: criteria provided, single submitter. Criteria: Invitae Variant Classification Sherloc (09022015). Collection method: clinical testing. Allele origin: germline.

GeneDx
Classification: Uncertain significance. Last evaluated: 2022-11-18. Review status: criteria provided, single submitter. Criteria: GeneDx Variant Classification Process June 2021. Collection method: clinical testing. Allele origin: germline. Affected: yes.
Comment: Has been reported in an individual with ossification of the posterior longitudinal ligament of the spine (Chen et al., 2016).; In silico analysis supports that this missense variant does not alter protein structure/function; This variant is associated with the following publications: (PMID: 27246988)

Illumina Laboratory Services, Illumina
Classification: Uncertain significance for Fibrochondrogenesis 2. Last evaluated: 2018-01-13. Review status: criteria provided, single submitter. Criteria: ICSL Variant Classification Criteria 13 December 2019. Collection method: clinical testing. Allele origin: germline.

Illumina Laboratory Services, Illumina
Classification: Uncertain significance for Otospondylomegaepiphyseal dysplasia, autosomal recessive. Last evaluated: 2018-01-13. Review status: criteria provided, single submitter. Criteria: ICSL Variant Classification Criteria 13 December 2019. Collection method: clinical testing. Allele origin: germline.

Zotz-Klimas Genetics Lab, MVZ Zotz Klimas
Classification: Uncertain significance for Autosomal dominant nonsyndromic hearing loss 13. Last evaluated: 2023-10-30. Review status: no assertion criteria provided. Collection method: clinical testing. Allele origin: germline. Affected: yes. Not counted in ClinVar's aggregate classification.